The following is an entry in ClinVar:

NM_003931.3(WASF1):c.938C>T (p.Thr313Ile)

Gene: WASF1 (WASP family member 1; minus strand). Cytogenetic location: 6q21.
Variant type: single nucleotide variant.
Coding change: c.938C>T on transcript NM_003931.3 (MANE Select); coding-DNA position 938, C replaced by T.
Protein change: p.Thr313Ile; replaces threonine 313 with isoleucine.
Molecular consequence: missense variant.
Genome position (GRCh38, 1-based): chr6:110,102,172, G>A on the plus strand (C>T on the coding strand, the complement: WASF1 is on the minus strand). VCF-style: chr6-110102172-G-A. GRCh37 (hg19) VCF-style: chr6-110423375-G-A.
Other names: c.938C>T, p.Thr313Ile (NM_001024934.2, NM_001024935.2, NM_001024936.2); short protein forms T313I.
Identifiers: ClinVar variation 5008760 (VCV005008760.1).
Genomic context (GRCh38, chr6:110,102,172, plus strand): 5'-GATGGAAGAGGTGGTGGAGGAGGTGGGGGAGTGGGGCTCACAAACACAGGTGTTCTGCCT[G>A]TAGCTGGTGACTGAGGGCGATTTTCTATCAAACCTGTAGCAGAACTGAAATGACAAAGAG-3'
Protein context (NP_003922.1, residues 303-323): LIENRPQSPA[Thr313Ile]GRTPVFVSPT

ClinVar aggregate classification (germline): Uncertain significance (1 of 4 stars; one submission).

gnomAD v4.1: 1 of 1,434,722 alleles (0.00007%); highest among the groups gnomAD compares: South Asian, 0.0018%; no homozygotes.

Submission:

GeneDx
Classification: Uncertain significance. Last evaluated: 2026-03-06. Review status: criteria provided, single submitter. Criteria: GeneDx Variant Classification Process June 2021. Collection method: clinical testing. Allele origin: germline.
Comment: Not observed at significant frequency in large population cohorts (gnomAD); In silico analysis suggests that this missense variant does not alter protein structure/function; Has not been previously published as pathogenic or benign to our knowledge